The following is an entry in ClinVar:

ClinVar aggregate classification (germline): Uncertain significance. Review status: criteria provided, multiple submitters, no conflicts (2 of 4 stars). 3 submissions from 3 submitters: Uncertain significance (3). Last evaluated 2022-07-14.

Conditions:
Bartter disease type 2. Also called: HYPOKALEMIC ALKALOSIS WITH HYPERCALCIURIA 2, ANTENATAL; HYPERPROSTAGLANDIN E SYNDROME 2; Bartter syndrome, type 2, antenatal. Identifiers: Orphanet 112, Orphanet 620220, MedGen C1855849, MONDO:0009424, OMIM 241200.

Allele frequency attached by ClinVar (database versions not stated): ExAC 0.00002; TOPMed 0.00002; gnomAD 0.00003.
gnomAD v4.1: 158 of 1,614,062 alleles (0.0098%); highest among the groups gnomAD compares: Non-Finnish European, 0.013%; no homozygotes.

Submissions (3):

Labcorp Genetics (formerly Invitae), Labcorp
Classification: Uncertain significance. Last evaluated: 2022-07-14. Review status: criteria provided, single submitter. Criteria: Invitae Variant Classification Sherloc (09022015). Collection method: clinical testing. Allele origin: germline.
Comment: This sequence change replaces threonine, which is neutral and polar, with isoleucine, which is neutral and non-polar, at codon 300 of the KCNJ1 protein (p.Thr300Ile). This variant is present in population databases (rs762988627, gnomAD 0.005%). This variant has not been reported in the literature in individuals affected with KCNJ1-related conditions. ClinVar contains an entry for this variant (Variation ID: 878156). Algorithms developed to predict the effect of missense changes on protein structure and function are either unavailable or do not agree on the potential impact of this missense change (SIFT: "Tolerated"; PolyPhen-2: "Probably Damaging"; Align-GVGD: "Class C0"). In summary, the available evidence is currently insufficient to determine the role of this variant in disease. Therefore, it has been classified as a Variant of Uncertain Significance.

Fulgent Genetics
Classification: Uncertain significance for Bartter disease type 2. Last evaluated: 2022-02-04. Review status: criteria provided, single submitter. Criteria: ACMG Guidelines, 2015. Collection method: clinical testing. Allele origin: unknown.

Illumina Laboratory Services, Illumina
Classification: Uncertain significance for Bartter disease type 2. Last evaluated: 2018-01-13. Review status: criteria provided, single submitter. Criteria: ICSL Variant Classification Criteria 13 December 2019. Collection method: clinical testing. Allele origin: germline.

NM_153766.3(KCNJ1):c.842C>T (p.Thr281Ile)

Gene: KCNJ1 (potassium inwardly rectifying channel subfamily J member 1; minus strand). Cytogenetic location: 11q24.3.
Variant type: single nucleotide variant.
Coding change: c.842C>T on transcript NM_153766.3 (MANE Select); coding-DNA position 842, C replaced by T.
Protein change: p.Thr281Ile; replaces threonine 281 with isoleucine.
Molecular consequence: missense variant.
Genome position (GRCh38, 1-based): chr11:128,839,402, G>A on the plus strand (C>T on the coding strand, the complement: KCNJ1 is on the minus strand). VCF-style: chr11-128839402-G-A. GRCh37 (hg19) VCF-style: chr11-128709297-G-A.
Other names: c.899C>T, p.Thr300Ile (NM_000220.6); c.842C>T, p.Thr281Ile (NM_153764.3, NM_153767.4); c.893C>T, p.Thr298Ile (NM_153765.3); short protein forms T300I, T298I, T281I.
Identifiers: ClinVar variation 878156 (VCV000878156.6), dbSNP rs762988627, ClinGen allele CA6357442.